The following is an entry in ClinVar:

NM_138295.5(PKD1L1):c.5322del (p.Asp1775fs)

Gene: PKD1L1 (polycystin 1 like 1, transient receptor potential channel interacting; minus strand). Cytogenetic location: 7p12.3.
Variant type: Deletion.
Coding change: c.5322del on transcript NM_138295.5 (MANE Select); coding-DNA position 5322, one base deleted (A; older notation c.5322delA).
Protein change: p.Asp1775fs; shifts the reading frame from aspartic acid 1775.
Molecular consequence: frameshift variant.
Genome position (GRCh38, 1-based): chr7:47,843,085, T deleted on the plus strand (A on the coding strand, the reverse complement: PKD1L1 is on the minus strand). VCF-style (leftmost placement, unchanged base first): chr7-47843084-CT-C. GRCh37 (hg19) VCF-style: chr7-47882682-CT-C.
Other names: short protein forms D1775fs.
Identifiers: ClinVar variation 2073168 (VCV002073168.1), dbSNP rs758330344, ClinGen allele CA4252874.
Genomic context (GRCh38, chr7:47,843,084, plus strand): 5'-GGCCCGGCAGGGAAGCTTCTTGCAGAAAGATGTAACCAGCTTTCTTTTTTTCATGATGAT[CT>C]ACTTGTCTACTTTTAGCGACCAAAAATCCATAAAGAATCACAGAACCCATAATAAAAATA-3'

ClinVar aggregate classification (germline): Pathogenic (1 of 4 stars; one submission).

Allele frequency attached by ClinVar (database versions not stated): gnomAD exomes below 0.00001; TOPMed below 0.00001; ExAC 0.00001; ESP Exome Variant Server 0.00008.

Submission:

Labcorp Genetics (formerly Invitae), Labcorp
Classification: Pathogenic. Last evaluated: 2022-07-05. Review status: criteria provided, single submitter. Criteria: Invitae Variant Classification Sherloc (09022015). Collection method: clinical testing. Allele origin: germline.
Comment: This sequence change creates a premature translational stop signal (p.Asp1775Ilefs*38) in the PKD1L1 gene. It is expected to result in an absent or disrupted protein product. Loss-of-function variants in PKD1L1 are known to be pathogenic (PMID: 27616478). This variant is present in population databases (rs758330344, gnomAD 0.0009%). This variant has not been reported in the literature in individuals affected with PKD1L1-related conditions. For these reasons, this variant has been classified as Pathogenic.

Literature cited by the submitters: PubMed 27616478.